The following is an entry in ClinVar:

NM_002230.4(JUP):c.2096C>T (p.Ala699Val)

Gene: JUP (junction plakoglobin; minus strand). Cytogenetic location: 17q21.2.
Variant type: single nucleotide variant.
Coding change: c.2096C>T on transcript NM_002230.4 (MANE Select); coding-DNA position 2096, C replaced by T.
Protein change: p.Ala699Val; replaces alanine 699 with valine.
Molecular consequence: missense variant.
Genome position (GRCh38, 1-based): chr17:41,755,886, G>A on the plus strand (C>T on the coding strand, the complement: JUP is on the minus strand). VCF-style: chr17-41755886-G-A. GRCh37 (hg19) VCF-style: chr17-39912138-G-A.
Other names: c.2096C>T, p.Ala699Val (NM_001352777.2, NM_021991.4, NM_001352773.2 and 3 more transcripts); short protein forms A699V.
Identifiers: ClinVar variation 4614313 (VCV004614313.1).
Genomic context (GRCh38, chr17:41,755,886, plus strand): 5'-TCCATGTGCATCTCCAGCGGGTCAAGGGGCACATCGCTGGAGTACATGGGGCGGTAGGTG[G>A]CATCCATGTCTGGGGACAAAAAGTGGGGCTCGGTCCTAGGGTCTGCAAGCTACCCTGCAG-3'
Protein context (NP_002221.1, residues 689-709): INEPYGDDMD[Ala699Val]TYRPMYSSDV

ClinVar aggregate classification (germline): Uncertain significance (1 of 4 stars; one submission).

Conditions:
Cardiovascular phenotype. Identifiers: MedGen CN230736.

Submission:

Ambry Genetics
Classification: Uncertain significance for Cardiovascular phenotype. Last evaluated: 2025-09-17. Review status: criteria provided, single submitter. Criteria: Ambry Variant Classification Scheme 2023. Collection method: clinical testing. Allele origin: germline.
Comment: The p.A699V variant (also known as c.2096C>T), located in coding exon 13 of the JUP gene, results from a C to T substitution at nucleotide position 2096. The alanine at codon 699 is replaced by valine, an amino acid with similar properties. This amino acid position is conserved. In addition, this alteration is predicted to be tolerated by in silico analysis. Based on the available evidence, the clinical significance of this variant remains unclear.